The following is an entry in ClinVar:

NM_004006.3(DMD):c.8246_8249del (p.Thr2749fs)

Gene: DMD (dystrophin; minus strand). Cytogenetic location: Xp21.1.
Variant type: Deletion.
Coding change: c.8246_8249del on transcript NM_004006.3 (MANE Select); coding-DNA positions 8246 to 8249, 4 bases deleted (CAGA; older notation c.8246_8249delCAGA).
Protein change: p.Thr2749fs; shifts the reading frame from threonine 2749.
Molecular consequence: frameshift variant.
Genome position (GRCh38, 1-based): chrX:31,507,422-31,507,425, TCTG deleted on the plus strand (CAGA on the coding strand, the reverse complement: DMD is on the minus strand); deleting any 4 consecutive bases within chrX:31,507,422-31,507,426 gives the same sequence; the c. name uses the placement nearest the transcript's 3' end. VCF-style (leftmost placement, unchanged base first): chrX-31507421-ATCTG-A. GRCh37 (hg19) VCF-style: chrX-31525538-ATCTG-A.
Other names: c.8222_8225del, p.Thr2741fs (NM_000109.4); c.8234_8237del, p.Thr2745fs (NM_004009.3); c.7877_7880del, p.Thr2626fs (NM_004010.3); c.4223_4226del, p.Thr1408fs (NM_004011.4); c.4214_4217del, p.Thr1405fs (NM_004012.4); c.866_869del, p.Thr289fs (NM_004013.3, NM_004020.4, NM_004021.3 and 2 more transcripts); c.59_62del, p.Thr20fs (NM_004014.3); short protein forms T1405fs, T1408fs, T20fs, T2626fs, T2741fs, T2745fs, T2749fs, T289fs.
Identifiers: ClinVar variation 4279606 (VCV004279606.1).

ClinVar aggregate classification (germline): Likely pathogenic (1 of 4 stars; one submission).

Conditions:
Duchenne muscular dystrophy (DMD). Also called: MUSCULAR DYSTROPHY, PSEUDOHYPERTROPHIC PROGRESSIVE, DUCHENNE TYPE; Duchenne Muscular Dystrophy (DMD). Identifiers: Orphanet 98896, MedGen C0013264, MONDO:0010679, OMIM 310200.

Submission:

Diagnostics Services (NGS), CSIR - Centre For Cellular And Molecular Biology
Classification: Likely pathogenic for Duchenne muscular dystrophy. Last evaluated: 2025-09-18. Review status: criteria provided, single submitter. Criteria: ACMG Guidelines, 2015. Collection method: clinical testing. Allele origin: germline. Affected: yes. Observed: 1 variant allele, 1 hemizygote.
Comment: The c.8246_8249del variant is not present in publicly available population databases like 1000 Genomes, EVS, gnomAD, Indian Exome Database or our internal database. This variant has neither been published in the literature in individuals affected with DMD-related conditions nor reported to the clinical databases like Human Genome Mutation Database (HGMD), ClinVar or OMIM, in any affected individuals. In-silico pathogenicity prediction programs like MutationTaster2021, CADD, Franklin, Varsome etc predicted this variant to be likely deleterious. This variant causes frameshift at the 2749th amino acid position of the wild-type transcript which creates a premature translational stop signal at the altered transcript that may either result in translation of a truncated protein or cause nonsense mediated decay of the mRNA.